The following is an entry in ClinVar:

NM_020774.4(MIB1):c.1975C>G (p.Leu659Val)

Gene: MIB1 (MIB E3 ubiquitin protein ligase 1; plus strand). Cytogenetic location: 18q11.2.
Variant type: single nucleotide variant.
Coding change: c.1975C>G on transcript NM_020774.4 (MANE Select); coding-DNA position 1975, C replaced by G.
Protein change: p.Leu659Val; replaces leucine 659 with valine.
Molecular consequence: missense variant.
Genome position (GRCh38, 1-based): chr18:21,843,143, C>G. VCF-style: chr18-21843143-C-G. GRCh37 (hg19) VCF-style: chr18-19423104-C-G.
Other names: short protein forms L659V.
Identifiers: ClinVar variation 3294703 (VCV003294703.2).

ClinVar aggregate classification (germline): Uncertain significance. Review status: criteria provided, multiple submitters, no conflicts (2 of 4 stars). 2 submissions from 2 submitters: Uncertain significance (2). Last evaluated 2024-05-05.

Conditions:
Inborn genetic diseases. Identifiers: MedGen C0950123, MeSH D030342.

gnomAD v4.1: 1 of 1,601,210 alleles (0.000062%); highest among the groups gnomAD compares: South Asian, 0.0011%; no homozygotes.

Submissions (2):

Ambry Genetics
Classification: Uncertain significance for Inborn genetic diseases. Last evaluated: 2024-05-05. Review status: criteria provided, single submitter. Criteria: Ambry Variant Classification Scheme 2023. Collection method: clinical testing. Allele origin: germline.
Comment: The p.L659V variant (also known as c.1975C>G), located in coding exon 14 of the MIB1 gene, results from a C to G substitution at nucleotide position 1975. The leucine at codon 659 is replaced by valine, an amino acid with highly similar properties. This amino acid position is conserved. In addition, this alteration is predicted to be tolerated by in silico analysis. Based on the available evidence, the clinical significance of this variant remains unclear.

GeneDx
Classification: Uncertain significance. Last evaluated: 2023-07-18. Review status: criteria provided, single submitter. Criteria: GeneDx Variant Classification Process June 2021. Collection method: clinical testing. Allele origin: germline. Affected: yes.
Comment: Not observed at significant frequency in large population cohorts (gnomAD); In silico analysis supports that this missense variant does not alter protein structure/function; Has not been previously published as pathogenic or benign to our knowledge